The following is an entry in ClinVar:

NM_001267550.2(TTN):c.90101T>C (p.Ile30034Thr)

Genes: TTN (titin; minus strand), TTN-AS1 (TTN antisense RNA 1; plus strand). Cytogenetic location: 2q31.2.
Variant type: single nucleotide variant.
Coding change: c.90101T>C on transcript NM_001267550.2 (MANE Select); coding-DNA position 90101, T replaced by C.
Protein change: p.Ile30034Thr; replaces isoleucine 30034 with threonine.
Molecular consequence: missense variant.
Genome position (GRCh38, 1-based): chr2:178,552,799, A>G on the plus strand (T>C on the coding strand, the complement: TTN is on the minus strand). VCF-style: chr2-178552799-A-G. GRCh37 (hg19) VCF-style: chr2-179417526-A-G.
Other names: c.85178T>C, p.Ile28393Thr (NM_001256850.1); c.62906T>C, p.Ile20969Thr (NM_003319.4); c.82397T>C, p.Ile27466Thr (NM_133378.4); c.63281T>C, p.Ile21094Thr (NM_133432.3); c.63482T>C, p.Ile21161Thr (NM_133437.4); short protein forms I20969T, I21161T, I21094T, I27466T, I30034T, I28393T.
Identifiers: ClinVar variation 4055832 (VCV004055832.1).

ClinVar aggregate classification (germline): Uncertain significance (1 of 4 stars; one submission).

Submission:

GeneDx
Classification: Uncertain significance. Last evaluated: 2025-01-02. Review status: criteria provided, single submitter. Criteria: GeneDx Variant Classification Process June 2021. Collection method: clinical testing. Allele origin: germline. Affected: yes.
Comment: Not observed at significant frequency in large population cohorts (gnomAD); Missense variant in a gene in which most reported pathogenic variants are truncating/loss of function; Has not been previously published as pathogenic or benign to our knowledge